The following is an entry in ClinVar:

ClinVar aggregate classification (germline): Uncertain significance. Review status: criteria provided, multiple submitters, no conflicts (2 of 4 stars). 2 submissions from 2 submitters: Uncertain significance (2). Last evaluated 2024-07-27.

Conditions:
Cryptosporidiosis-chronic cholangitis-liver disease syndrome. Also called: IL21R immunodeficiency; Immunodeficiency type 56. Identifiers: Orphanet 357329, MedGen C3554687, MONDO:0014082, OMIM 615207.
Inborn genetic diseases. Identifiers: MedGen C0950123, MeSH D030342.

Allele frequency attached by ClinVar (database versions not stated): gnomAD exomes below 0.00001.
gnomAD v4.1: 13 of 1,612,324 alleles (0.00081%); highest among the groups gnomAD compares: African/African-American, 0.0013%; no homozygotes.

Submissions (2):

Ambry Genetics
Classification: Uncertain significance for Inborn genetic diseases. Last evaluated: 2024-07-27. Review status: criteria provided, single submitter. Criteria: Ambry Variant Classification Scheme 2023. Collection method: clinical testing. Allele origin: germline.

Labcorp Genetics (formerly Invitae), Labcorp
Classification: Uncertain significance for Cryptosporidiosis-chronic cholangitis-liver disease syndrome. Last evaluated: 2022-02-05. Review status: criteria provided, single submitter. Criteria: Invitae Variant Classification Sherloc (09022015). Collection method: clinical testing. Allele origin: germline.
Comment: In summary, the available evidence is currently insufficient to determine the role of this variant in disease. Therefore, it has been classified as a Variant of Uncertain Significance. Algorithms developed to predict the effect of missense changes on protein structure and function output the following: SIFT: "Tolerated"; PolyPhen-2: "Benign"; Align-GVGD: "Class C0". The threonine amino acid residue is found in multiple mammalian species, which suggests that this missense change does not adversely affect protein function. This variant has not been reported in the literature in individuals affected with IL21R-related conditions. This variant is present in population databases (no rsID available, gnomAD 0.007%). This sequence change replaces alanine, which is neutral and non-polar, with threonine, which is neutral and polar, at codon 454 of the IL21R protein (p.Ala454Thr).

NM_181078.3(IL21R):c.1360G>A (p.Ala454Thr)

Genes: IL21R (interleukin 21 receptor; plus strand), IL21R-AS1 (IL21R antisense RNA 1; minus strand), LOC130058713 (ATAC-STARR-seq lymphoblastoid active region 10627; plus strand). Cytogenetic location: 16p12.1.
Variant type: single nucleotide variant.
Coding change: c.1360G>A on transcript NM_181078.3 (MANE Select); coding-DNA position 1360, G replaced by A.
Protein change: p.Ala454Thr; replaces alanine 454 with threonine.
Molecular consequence: missense variant. On other transcripts: non-coding transcript variant (1).
Genome position (GRCh38, 1-based): chr16:27,449,026, G>A. VCF-style: chr16-27449026-G-A. GRCh37 (hg19) VCF-style: chr16-27460347-G-A.
Other names: c.1360G>A, p.Ala454Thr (NM_021798.4); c.1426G>A, p.Ala476Thr (NM_181079.5); c.1426G>A (NM_181079.4); short protein forms A476T, A454T.
Identifiers: ClinVar variation 1521933 (VCV001521933.7), dbSNP rs1309030719, ClinGen allele CA395308524.